The following is an entry in ClinVar:

ClinVar aggregate classification (germline): Uncertain significance (1 of 4 stars; one submission).

Conditions:
Hypertrophic cardiomyopathy. Also called: HYPERTROPHIC MYOCARDIOPATHY. Identifiers: Orphanet 217569, MedGen C0007194, MeSH D002312, MONDO:0005045, HP:0001639.

Submission:

Labcorp Genetics (formerly Invitae), Labcorp
Classification: Uncertain significance for Hypertrophic cardiomyopathy. Last evaluated: 2026-01-19. Review status: criteria provided, single submitter. Criteria: Invitae Variant Classification Sherloc (09022015). Collection method: clinical testing. Allele origin: germline.
Comment: This sequence change replaces glycine, which is neutral and non-polar, with valine, which is neutral and non-polar, at codon 1041 of the MYBPC3 protein (p.Gly1041Val). Information on the frequency of this variant in the gnomAD database is not available, as this variant may be reported differently in the database. This variant has not been reported in the literature in individuals affected with MYBPC3-related conditions. An algorithm developed to predict the effect of missense changes on protein structure and function (PolyPhen-2) suggests that this variant is likely to be disruptive. In summary, the available evidence is currently insufficient to determine the role of this variant in disease. Therefore, it has been classified as a Variant of Uncertain Significance.

NM_000256.3(MYBPC3):c.3122_3123delinsTA (p.Gly1041Val)

Gene: MYBPC3 (myosin binding protein C3; minus strand). Cytogenetic location: 11p11.2.
Variant type: Indel.
Coding change: c.3122_3123delinsTA on transcript NM_000256.3 (MANE Select); coding-DNA positions 3122 to 3123, GC replaced by TA.
Protein change: p.Gly1041Val; replaces glycine 1041 with valine.
Molecular consequence: missense variant.
Genome position (GRCh38, 1-based): chr11:47,333,624-47,333,625, GC replaced by TA on the plus strand (GC replaced by TA on the coding strand, the reverse complement: MYBPC3 is on the minus strand). VCF-style: chr11-47333624-GC-TA. GRCh37 (hg19) VCF-style: chr11-47355175-GC-TA.
Other names: short protein forms G1041V.
Identifiers: ClinVar variation 4735756 (VCV004735756.1).
Genomic context (GRCh38, chr11:47,333,624, plus strand): 5'-CTGCAGCACCAGCGTGGCCTTGTCCTCCATGTTCTCAATGCGCACCGTCACCTGGTAAGT[GC>TA]CTGAATGCACGCGGCGAGCGGCCCGGATGAACAGGATGGTGTCTGTGGGGCTGTTGCGGA-3'
Protein context (NP_000247.2, residues 1031-1051): FIRAARRVHS[Gly1041Val]TYQVTVRIEN